The following is an entry in ClinVar:

NM_003000.3(SDHB):c.127G>A (p.Ala43Thr)

Gene: SDHB (succinate dehydrogenase complex iron sulfur subunit B; minus strand). Cytogenetic location: 1p36.13.
Variant type: single nucleotide variant.
Coding change: c.127G>A on transcript NM_003000.3 (MANE Select); coding-DNA position 127, G replaced by A.
Protein change: p.Ala43Thr; replaces alanine 43 with threonine.
Molecular consequence: missense variant.
Genome position (GRCh38, 1-based): chr1:17,044,834, C>T on the plus strand (G>A on the coding strand, the complement: SDHB is on the minus strand). VCF-style: chr1-17044834-C-T. GRCh37 (hg19) VCF-style: chr1-17371329-C-T.
Other names: c.127G>A, p.Ala43Thr (NM_001407361.1); short protein forms A43T.
Identifiers: ClinVar variation 2031163 (VCV002031163.4), dbSNP rs2078100395, ClinGen allele CA338228161.

ClinVar aggregate classification (germline): Uncertain significance (1 of 4 stars; one submission).

Conditions:
Pheochromocytoma. Also called: MAX-Related Hereditary Paraganglioma-Pheochromocytoma Syndrome. Identifiers: Orphanet 29072, MedGen C0031511, MONDO:0008233, OMIM 171300, HP:0002666.
Gastrointestinal stromal tumor. Also called: Gastrointestinal stroma tumor; Gastrointestinal stromal tumor, somatic. Identifiers: Orphanet 44890, MedGen C0238198, MeSH D046152, MONDO:0011719, OMIM 606764, HP:0100723.
Pheochromocytoma/paraganglioma syndrome 4. Also called: CAROTID BODY TUMORS AND MULTIPLE EXTRAADRENAL PHEOCHROMOCYTOMAS; PARAGANGLIOMA, FAMILIAL MALIGNANT; PARAGANGLIOMAS, HEREDITARY EXTRAADRENAL; PHEOCHROMOCYTOMA, FAMILIAL EXTRAADRENAL; Paragangliomas 4; SDHB-Related Hereditary Paraganglioma-Pheochromocytoma Syndrome (Paragangliomas 4). Identifiers: Orphanet 29072, MedGen C1861848, MONDO:0007273, OMIM 115310.

Allele frequency attached by ClinVar (database versions not stated): gnomAD exomes below 0.00001.

Submission:

Labcorp Genetics (formerly Invitae), Labcorp
Classification: Uncertain significance for Gastrointestinal stromal tumor; Pheochromocytoma/paraganglioma syndrome 4; Pheochromocytoma. Last evaluated: 2026-01-28. Review status: criteria provided, single submitter. Criteria: Invitae Variant Classification Sherloc (09022015). Collection method: clinical testing. Allele origin: germline.
Comment: This sequence change replaces alanine, which is neutral and non-polar, with threonine, which is neutral and polar, at codon 43 of the SDHB protein (p.Ala43Thr). This variant is not present in population databases (gnomAD no frequency). This variant has not been reported in the literature in individuals affected with SDHB-related conditions. ClinVar contains an entry for this variant (Variation ID: 2031163). Invitae Evidence Modeling of protein sequence and biophysical properties (such as structural, functional, and spatial information, amino acid conservation, physicochemical variation, residue mobility, and thermodynamic stability) indicates that this missense variant is not expected to disrupt SDHB protein function with a negative predictive value of 80%. This variant disrupts the p.Ala43 amino acid residue in SDHB. Other variant(s) that disrupt this residue have been determined to be pathogenic (PMID: 14500403, 19454582, 22492777, 24092654). This suggests that this residue is clinically significant, and that variants that disrupt this residue are likely to be disease-causing. In summary, the available evidence is currently insufficient to determine the role of this variant in disease. Therefore, it has been classified as a Variant of Uncertain Significance.

Literature cited by the submitters: PubMed 14500403; PubMed 19454582; PubMed 22492777; PubMed 24092654.